The following is an entry in ClinVar:

ClinVar aggregate classification (germline): Pathogenic (1 of 4 stars; one submission).

Allele frequency attached by ClinVar (database versions not stated): TOPMed below 0.00001; gnomAD exomes 0.00001.

Submission:

Labcorp Genetics (formerly Invitae), Labcorp
Classification: Pathogenic. Last evaluated: 2023-02-03. Review status: criteria provided, single submitter. Criteria: Invitae Variant Classification Sherloc (09022015). Collection method: clinical testing. Allele origin: germline.
Comment: This sequence change creates a premature translational stop signal (p.Glu330Aspfs*17) in the EIF2AK3 gene. It is expected to result in an absent or disrupted protein product. Loss-of-function variants in EIF2AK3 are known to be pathogenic (PMID: 11997520). This variant is not present in population databases (gnomAD no frequency). This premature translational stop signal has been observed in individual(s) with Wolcott-Rallison syndrome (PMID: 15220213). This variant is also known as c.1059insT. For these reasons, this variant has been classified as Pathogenic.

Literature cited by the submitters: PubMed 11997520; PubMed 15220213.

NM_004836.7(EIF2AK3):c.989_990insT (p.Glu330fs)

Gene: EIF2AK3 (eukaryotic translation initiation factor 2 alpha kinase 3; minus strand). Cytogenetic location: 2p11.2.
Variant type: Insertion.
Coding change: c.989_990insT on transcript NM_004836.7 (MANE Select); coding-DNA positions 989 to 990, T inserted.
Protein change: p.Glu330fs; shifts the reading frame from glutamic acid 330.
Molecular consequence: frameshift variant.
Genome position: GRCh38 VCF-style: chr2-88590830-T-TA. GRCh37 (hg19) VCF-style: chr2-88890348-T-TA.
Other names: c.536_537insT, p.Glu179fs (NM_001313915.2); short protein forms E179fs, E330fs.
Identifiers: ClinVar variation 2203114 (VCV002203114.4), dbSNP rs1558655052, ClinGen allele CA916588371.
Genomic context (GRCh38, chr2:88,590,830, plus strand): 5'-ACTGGGAGAGGAAGAACCGTATTTTAAATCCTCAGTGGTGTTAGGTACCTGGTACTCCCA[T>TA]TCCAGATGTCCTCCCTTCTTACTGAATGCCATAACTTTCCAGTCAGCAACCGAAACCTTT-3'